The following is an entry in ClinVar:

NM_001253852.3(AP4B1):c.803A>G (p.His268Arg)

Genes: AP4B1 (adaptor related protein complex 4 subunit beta 1; minus strand), AP4B1-AS1 (AP4B1 antisense RNA 1; plus strand). Cytogenetic location: 1p13.2.
Variant type: single nucleotide variant.
Coding change: c.803A>G on transcript NM_001253852.3 (MANE Select); coding-DNA position 803, A replaced by G.
Protein change: p.His268Arg; replaces histidine 268 with arginine.
Molecular consequence: missense variant. On other transcripts: non-coding transcript variant (2).
Genome position (GRCh38, 1-based): chr1:113,900,215, T>C on the plus strand (A>G on the coding strand, the complement: AP4B1 is on the minus strand). VCF-style: chr1-113900215-T-C. GRCh37 (hg19) VCF-style: chr1-114442837-T-C.
Other names: c.506A>G, p.His169Arg (NM_001253853.3); c.299A>G, p.His100Arg (NM_001308312.2); c.803A>G, p.His268Arg (NM_006594.5); short protein forms H268R, H169R, H100R.
Identifiers: ClinVar variation 157727 (VCV000157727.29), dbSNP rs201047107, ClinGen allele CA345965.

ClinVar aggregate classification (germline): Benign/Likely benign. Review status: criteria provided, multiple submitters, no conflicts (2 of 4 stars). 9 submissions from 9 submitters: Benign (1); Likely benign (7). 1 of the submissions does not count toward it. Last evaluated 2026-01-19.

Conditions:
AP4B1-related disorder. Also called: AP4B1-related condition.
Inborn genetic diseases. Identifiers: MedGen C0950123, MeSH D030342.
Hereditary spastic paraplegia. Also called: Familial spastic paraparesis. Identifiers: Orphanet 685, MedGen C0037773, MONDO:0019064. Disease mechanism: loss of function.
Hereditary spastic paraplegia 47. Also called: adaptor protein 4 (AP-4) deficiency syndrome; Spastic paraplegia 47, autosomal recessive; CEREBRAL PALSY, SPASTIC QUADRIPLEGIC, 5. Identifiers: Orphanet 280763, MedGen C3279738, MONDO:0013551, OMIM 614066.

Allele frequency attached by ClinVar (database versions not stated): TOPMed 0.00057; ExAC 0.00068; gnomAD exomes 0.00079 and 0.00017; ESP Exome Variant Server 0.00008; 1000 Genomes Project 0.00020; 1000 Genomes Project 30x 0.00031; gnomAD 0.00037 and 0.00038.
gnomAD v4.1: 304 of 1,610,578 alleles (0.019%); highest among the groups gnomAD compares: Admixed American, 0.41%; 2 homozygotes.

Submissions (9):

Labcorp Genetics (formerly Invitae), Labcorp
Classification: Benign for Hereditary spastic paraplegia 47. Last evaluated: 2026-01-19. Review status: criteria provided, single submitter. Criteria: Invitae Variant Classification Sherloc (09022015). Collection method: clinical testing. Allele origin: germline.

Blueprint Genetics
Classification: Likely benign. Last evaluated: 2024-11-04. Review status: criteria provided, single submitter. Criteria: ACMG Guidelines, 2015. Collection method: clinical testing. Allele origin: germline.

Genome-Nilou Lab
Classification: Likely benign for Hereditary spastic paraplegia 47. Last evaluated: 2023-04-11. Review status: criteria provided, single submitter. Criteria: ACMG Guidelines, 2015. Collection method: clinical testing. Allele origin: germline. Affected: no.

Genome Diagnostics Laboratory, The Hospital for Sick Children
Classification: Likely benign for Hereditary spastic paraplegia. Last evaluated: 2021-03-02. Review status: criteria provided, single submitter. Criteria: ACMG Guidelines, 2015. Collection method: clinical testing. Allele origin: germline. Affected: yes.

GeneDx
Classification: Likely benign. Last evaluated: 2020-03-26. Review status: criteria provided, single submitter. Criteria: GeneDx Variant Classification Process June 2021. Collection method: clinical testing. Allele origin: germline. Affected: yes.

Ambry Genetics
Classification: Likely benign for Inborn genetic diseases. Last evaluated: 2019-10-18. Review status: criteria provided, single submitter. Criteria: Ambry Variant Classification Scheme 2023. Collection method: clinical testing. Allele origin: germline.

Genetic Services Laboratory, University of Chicago
Classification: Likely benign. Last evaluated: 2018-11-19. Review status: criteria provided, single submitter. Criteria: ACMG Guidelines, 2015. Collection method: clinical testing. Allele origin: germline. Affected: no.

Breakthrough Genomics
Classification: Likely benign. Review status: criteria provided, single submitter. Criteria: ACMG Guidelines, 2015. Collection method: not provided. Allele origin: germline. Inheritance: Autosomal recessive inheritance. Affected: yes.

PreventionGenetics, part of Exact Sciences
Classification: Likely benign for AP4B1-related condition. Last evaluated: 2020-10-20. Review status: no assertion criteria provided. Collection method: clinical testing. Allele origin: germline. Not counted in ClinVar's aggregate classification.
Comment: This variant is classified as likely benign based on ACMG/AMP sequence variant interpretation guidelines (Richards et al. 2015 PMID: 25741868, with internal and published modifications).